The following is an entry in ClinVar:

ClinVar aggregate classification (germline): Uncertain significance. Review status: criteria provided, multiple submitters, no conflicts (2 of 4 stars). 2 submissions from 2 submitters: Uncertain significance (2). Last evaluated 2023-04-11.

Conditions:
Cardiomyopathy, dilated, 2D. Identifiers: MedGen C5543535, MONDO:0030300, OMIM 619371.

Allele frequency attached by ClinVar (database versions not stated): ExAC 0.00020; TOPMed 0.00023; gnomAD 0.00033; ESP Exome Variant Server 0.00038.

Submissions (2):

Petrovsky National Research Centre of Surgery, The Federal Agency for Scientific Organizations
Classification: Uncertain significance for Cardiomyopathy, dilated, 2D. Last evaluated: 2023-04-11. Review status: criteria provided, single submitter. Criteria: ACMG Guidelines, 2015. Collection method: clinical testing. Allele origin: germline. Inheritance: Autosomal dominant inheritance. Affected: yes. Observed: 1 heterozygote.
Comment: The c.829C>T has AF=0,0002468 in The Genome Aggregation Database (gnomAD) (Date of access: 10-04-2023). Clinvar does not contain an entry for this variant. In accordance with ACMG(2015) criteria this variant is classified as a variant with uncertain significance with the following criteria selected: PM2, PP3.

Ambry Genetics
Classification: Uncertain significance. Last evaluated: 2021-09-17. Review status: criteria provided, single submitter. Criteria: Ambry Variant Classification Scheme 2023. Collection method: clinical testing. Allele origin: germline.

NM_005061.3(RPL3L):c.829C>T (p.Arg277Cys)

Gene: RPL3L (ribosomal protein L3 like; minus strand). Cytogenetic location: 16p13.3.
Variant type: single nucleotide variant.
Coding change: c.829C>T on transcript NM_005061.3 (MANE Select); coding-DNA position 829, C replaced by T.
Protein change: p.Arg277Cys; replaces arginine 277 with cysteine.
Molecular consequence: missense variant.
Genome position (GRCh38, 1-based): chr16:1,946,958, G>A on the plus strand (C>T on the coding strand, the complement: RPL3L is on the minus strand). VCF-style: chr16-1946958-G-A. GRCh37 (hg19) VCF-style: chr16-1996959-G-A.
Other names: c.829C>T (NM_005061.2); short protein forms R277C.
Identifiers: ClinVar variation 2498271 (VCV002498271.3), dbSNP rs144221138, ClinGen allele CA7822730.